The following is an entry in ClinVar:

NM_004415.4(DSP):c.944_945delinsAA (p.Arg315Gln)

Gene: DSP (desmoplakin; plus strand). Cytogenetic location: 6p24.3.
Variant type: Indel.
Coding change: c.944_945delinsAA on transcript NM_004415.4 (MANE Select); coding-DNA positions 944 to 945, GC replaced by AA.
Protein change: p.Arg315Gln; replaces arginine 315 with glutamine.
Molecular consequence: missense variant.
Genome position (GRCh38, 1-based): chr6:7,566,381-7,566,382, GC replaced by AA. VCF-style: chr6-7566381-GC-AA. GRCh37 (hg19) VCF-style: chr6-7566614-GC-AA.
Other names: c.944_945delinsAA, p.Arg315Gln (NM_001008844.3, NM_001319034.2, NM_001406591.1); short protein forms R315Q.
Identifiers: ClinVar variation 2947759 (VCV002947759.3), dbSNP rs2533876120, ClinGen allele CA2740094235.

ClinVar aggregate classification (germline): Uncertain significance (1 of 4 stars; one submission).

Conditions:
Arrhythmogenic cardiomyopathy with wooly hair and keratoderma. Also called: Dilated cardiomyopathy with woolly hair and keratoderma; PALMOPLANTAR KERATODERMA WITH LEFT VENTRICULAR CARDIOMYOPATHY AND WOOLLY HAIR; Carvajal syndrome; Arrhythmogenic cardiomyopathy with woolly hair and keratoderma. Identifiers: Orphanet 65282, MedGen C1854063, MONDO:0011581, OMIM 605676.
Arrhythmogenic right ventricular dysplasia 8 (ARVD8). Also called: Arrhythmogenic Right Ventricular Dysplasia/Cardiomyopathy 8; ARRHYTHMOGENIC RIGHT VENTRICULAR DYSPLASIA, FAMILIAL, 8; ARRHYTHMOGENIC RIGHT VENTRICULAR CARDIOMYOPATHY 8. Identifiers: MedGen C1843896, MONDO:0011831, OMIM 607450.

Submission:

Labcorp Genetics (formerly Invitae), Labcorp
Classification: Uncertain significance for Arrhythmogenic cardiomyopathy with wooly hair and keratoderma; Arrhythmogenic right ventricular dysplasia 8. Last evaluated: 2023-05-14. Review status: criteria provided, single submitter. Criteria: Invitae Variant Classification Sherloc (09022015). Collection method: clinical testing. Allele origin: germline.
Comment: In summary, the available evidence is currently insufficient to determine the role of this variant in disease. Therefore, it has been classified as a Variant of Uncertain Significance. An algorithm developed to predict the effect of missense changes on protein structure and function (PolyPhen-2) suggests that this variant is likely to be disruptive. This variant has not been reported in the literature in individuals affected with DSP-related conditions. Information on the frequency of this variant in the gnomAD database is not available, as this variant may be reported differently in the database. This sequence change replaces arginine, which is basic and polar, with glutamine, which is neutral and polar, at codon 315 of the DSP protein (p.Arg315Gln).